The following is an entry in ClinVar:

ClinVar aggregate classification (germline): Uncertain significance (1 of 4 stars; one submission).

Conditions:
Autosomal dominant polycystic kidney disease. Identifiers: Orphanet 730, MedGen C0085413, MONDO:0004691.

Allele frequency attached by ClinVar (database versions not stated): gnomAD exomes below 0.00001; gnomAD 0.00001; TOPMed 0.00003; ESP Exome Variant Server 0.00008.
gnomAD v4.1: 3 of 1,548,676 alleles (0.00019%); highest among the groups gnomAD compares: African/African-American, 0.0027%; no homozygotes.

Submission:

Labcorp Genetics (formerly Invitae), Labcorp
Classification: Uncertain significance for Autosomal dominant polycystic kidney disease. Last evaluated: 2020-02-26. Review status: criteria provided, single submitter. Criteria: Invitae Variant Classification Sherloc (09022015). Collection method: clinical testing. Allele origin: germline.
Comment: This variant is not present in population databases (ExAC no frequency). In summary, the available evidence is currently insufficient to determine the role of this variant in disease. Therefore, it has been classified as a Variant of Uncertain Significance. Algorithms developed to predict the effect of missense changes on protein structure and function (SIFT, PolyPhen-2, Align-GVGD) all suggest that this variant is likely to be tolerated, but these predictions have not been confirmed by published functional studies and their clinical significance is uncertain. This variant has not been reported in the literature in individuals with PKD2-related conditions. This sequence change replaces threonine with isoleucine at codon 662 of the PKD2 protein (p.Thr662Ile). The threonine residue is highly conserved and there is a moderate physicochemical difference between threonine and isoleucine.

NM_000297.4(PKD2):c.1985C>T (p.Thr662Ile)

Gene: PKD2 (polycystin 2, transient receptor potential cation channel; plus strand). Cytogenetic location: 4q22.1.
Variant type: single nucleotide variant.
Coding change: c.1985C>T on transcript NM_000297.4 (MANE Select); coding-DNA position 1985, C replaced by T.
Protein change: p.Thr662Ile; replaces threonine 662 with isoleucine.
Molecular consequence: missense variant.
Genome position (GRCh38, 1-based): chr4:88,058,069, C>T. VCF-style: chr4-88058069-C-T. GRCh37 (hg19) VCF-style: chr4-88979221-C-T.
Other names: short protein forms T662I.
Identifiers: ClinVar variation 1043565 (VCV001043565.8), dbSNP rs142983796, ClinGen allele CA100877159.